The following is an entry in ClinVar:

ClinVar aggregate classification (germline): Uncertain significance (1 of 4 stars; one submission).

Conditions:
Cohen-Gibson syndrome (COGIS). Also called: EED-Related Overgrowth. Identifiers: Orphanet 659396, MedGen C4479654, MONDO:0060510, OMIM 617561.

Submission:

Labcorp Genetics (formerly Invitae), Labcorp
Classification: Uncertain significance for Cohen-Gibson syndrome. Last evaluated: 2025-02-10. Review status: criteria provided, single submitter. Criteria: Invitae Variant Classification Sherloc (09022015). Collection method: clinical testing. Allele origin: germline.
Comment: This sequence change replaces isoleucine, which is neutral and non-polar, with threonine, which is neutral and polar, at codon 290 of the EED protein (p.Ile290Thr). This variant is present in population databases (rs771185794, gnomAD 0.006%). This variant has not been reported in the literature in individuals affected with EED-related conditions. Invitae Evidence Modeling of protein sequence and biophysical properties (such as structural, functional, and spatial information, amino acid conservation, physicochemical variation, residue mobility, and thermodynamic stability) indicates that this missense variant is not expected to disrupt EED protein function with a negative predictive value of 80%. In summary, the available evidence is currently insufficient to determine the role of this variant in disease. Therefore, it has been classified as a Variant of Uncertain Significance.

NM_003797.5(EED):c.869T>C (p.Ile290Thr)

Gene: EED (embryonic ectoderm development; plus strand). Cytogenetic location: 11q14.2.
Variant type: single nucleotide variant.
Coding change: c.869T>C on transcript NM_003797.5 (MANE Select); coding-DNA position 869, T replaced by C.
Protein change: p.Ile290Thr; replaces isoleucine 290 with threonine.
Molecular consequence: missense variant. On other transcripts: intron variant (1).
Genome position (GRCh38, 1-based): chr11:86,268,464, T>C. VCF-style: chr11-86268464-T-C. GRCh37 (hg19) VCF-style: chr11-85979506-T-C.
Other names: c.869T>C, p.Ile290Thr (NM_001308007.2); c.726+4201T>C (NM_001330334.2); short protein forms I290T.
Identifiers: ClinVar variation 3705732 (VCV003705732.2).
Genomic context (GRCh38, chr11:86,268,464, plus strand): 5'-ATTCTACTATAATTTTTTCTTTTAACTTTTTACATTTCCATTCTTCCTTCAGGCCATTTA[T>C]TTCTCAGAAAATCCATTTTCCTGATTTTTCTACCAGAGACATACATAGGAATTATGTTGA-3'
Protein context (NP_003788.2, residues 280-300): YNPNKTNRPF[Ile290Thr]SQKIHFPDFS